The following is an entry in ClinVar:

ClinVar aggregate classification (germline): Pathogenic/Likely pathogenic. Review status: criteria provided, multiple submitters, no conflicts (2 of 4 stars). 2 submissions from 2 submitters: Pathogenic (1); Likely pathogenic (1). Last evaluated 2023-10-04.

Conditions:
Hereditary cancer-predisposing syndrome. Also called: Hereditary neoplastic syndrome; Tumor predisposition; Neoplastic Syndromes, Hereditary; Hereditary Cancer Syndrome. Identifiers: Orphanet 140162, MedGen C0027672, MeSH D009386, MONDO:0015356.
Multiple endocrine neoplasia, type 1 (MEN1). Also called: MEN I; Endocrine adenomatosis multiple; MEN 1; WERMER SYNDROME; MEA I. Identifiers: Orphanet 652, MedGen C0025267, MeSH D018761, MONDO:0007540, OMIM 131100.

Submissions (2):

Labcorp Genetics (formerly Invitae), Labcorp
Classification: Pathogenic for Multiple endocrine neoplasia, type 1. Last evaluated: 2023-10-04. Review status: criteria provided, single submitter. Criteria: Invitae Variant Classification Sherloc (09022015). Collection method: clinical testing. Allele origin: germline.
Comment: This variant, c.108_122del, results in the deletion of 5 amino acid(s) of the MEN1 protein (p.Leu37_Leu41del), but otherwise preserves the integrity of the reading frame. This variant is not present in population databases (gnomAD no frequency). This variant has not been reported in the literature in individuals affected with MEN1-related conditions. ClinVar contains an entry for this variant (Variation ID: 428044). This variant disrupts a region of the MEN1 protein in which other variant(s) (p.Ser38Phe) have been determined to be pathogenic (Invitae). This suggests that this is a clinically significant region of the protein, and that variants that disrupt it are likely to be disease-causing. For these reasons, this variant has been classified as Pathogenic.

Ambry Genetics
Classification: Likely pathogenic for Hereditary cancer-predisposing syndrome. Last evaluated: 2019-02-22. Review status: criteria provided, single submitter. Criteria: Ambry Variant Classification Scheme 2023. Collection method: clinical testing. Allele origin: germline.
Comment: The c.108_122del15 variant (also known as p.L37_L41del) is located in coding exon 1 of the MEN1 gene. This variant results from an in-frame deletion of 15 nucleotides (CCTTTCCTTGGTGCT) at positions 108 to 122. This results in the deletion of five amino acids (LSLVL) between codons 37 and 41. Based on an internal structural assessment, this variant is anticipated to result in a significant decrease in structural stability. The amino acid positions deleted in this alteration are highly conserved in available vertebrate species. Based on the majority of available evidence to date, this variant is likely to be pathogenic.

NM_001370259.2(MEN1):c.108_122del (p.Leu37_Leu41del)

Gene: MEN1 (menin 1; minus strand). Cytogenetic location: 11q13.1.
Variant type: Deletion.
Coding change: c.108_122del on transcript NM_001370259.2 (MANE Select); coding-DNA positions 108 to 122, 15 bases deleted (CCTTTCCTTGGTGCT).
Protein change: p.Leu37_Leu41del.
Molecular consequence: inframe deletion.
Genome position (GRCh38, 1-based): chr11:64,809,988-64,810,002, AGCACCAAGGAAAGG deleted on the plus strand (CCTTTCCTTGGTGCT on the coding strand, the reverse complement: MEN1 is on the minus strand); deleting any 15 consecutive bases within chr11:64,809,988-64,810,009 gives the same sequence; the c. name uses the placement nearest the transcript's 3' end. VCF-style (leftmost placement, unchanged base first): chr11-64809987-CAGCACCAAGGAAAGG-C. GRCh37 (hg19) VCF-style: chr11-64577459-CAGCACCAAGGAAAGG-C.
Other names: c.108_122del15 (NM_130799.2); c.108_122del, p.Leu37_Leu41del (NM_000244.4, NM_001370251.2, NM_001370260.2 and 9 more transcripts).
Identifiers: ClinVar variation 428044 (VCV000428044.11), dbSNP rs1555166695, ClinGen allele CA645369572.